The following is an entry in ClinVar:

ClinVar aggregate classification (germline): Uncertain significance. Review status: criteria provided, multiple submitters, no conflicts (2 of 4 stars). 2 submissions from 2 submitters: Uncertain significance (2). Last evaluated 2026-04-22.

Conditions:
Hereditary cancer-predisposing syndrome. Also called: Tumor predisposition; Neoplastic Syndromes, Hereditary; Hereditary Cancer Syndrome; Hereditary neoplastic syndrome. Identifiers: Orphanet 140162, MedGen C0027672, MeSH D009386, MONDO:0015356.

Allele frequency attached by ClinVar (database versions not stated): gnomAD exomes below 0.00001.
gnomAD v4.1: 1 of 1,613,320 alleles (0.000062%); highest among the groups gnomAD compares: Non-Finnish European, 0.000085%; no homozygotes.

Submissions (2):

Ambry Genetics
Classification: Uncertain significance for Hereditary cancer-predisposing syndrome. Last evaluated: 2026-04-22. Review status: criteria provided, single submitter. Criteria: Ambry Variant Classification Scheme 2023. Collection method: clinical testing. Allele origin: germline.
Comment: The p.A93V variant (also known as c.278C>T), located in coding exon 2 of the CTNNA1 gene, results from a C to T substitution at nucleotide position 278. The alanine at codon 93 is replaced by valine, an amino acid with similar properties. This amino acid position is conserved. In addition, this alteration is predicted to be deleterious by in silico analysis. Based on the available evidence, the clinical significance of this variant remains unclear.

Labcorp Genetics (formerly Invitae), Labcorp
Classification: Uncertain significance. Last evaluated: 2021-08-24. Review status: criteria provided, single submitter. Criteria: Invitae Variant Classification Sherloc (09022015). Collection method: clinical testing. Allele origin: germline.
Comment: Algorithms developed to predict the effect of missense changes on protein structure and function are either unavailable or do not agree on the potential impact of this missense change (SIFT: "Deleterious"; PolyPhen-2: "Benign"; Align-GVGD: "Class C0"). This variant has not been reported in the literature in individuals affected with CTNNA1-related conditions. This variant is not present in population databases (ExAC no frequency). This sequence change replaces alanine with valine at codon 93 of the CTNNA1 protein (p.Ala93Val). The alanine residue is highly conserved and there is a small physicochemical difference between alanine and valine. In summary, the available evidence is currently insufficient to determine the role of this variant in disease. Therefore, it has been classified as a Variant of Uncertain Significance.

NM_001903.5(CTNNA1):c.278C>T (p.Ala93Val)

Gene: CTNNA1 (catenin alpha 1; plus strand). Cytogenetic location: 5q31.2.
Variant type: single nucleotide variant.
Coding change: c.278C>T on transcript NM_001903.5 (MANE Select); coding-DNA position 278, C replaced by T.
Protein change: p.Ala93Val; replaces alanine 93 with valine.
Molecular consequence: missense variant. On other transcripts: intron variant (2).
Genome position (GRCh38, 1-based): chr5:138,783,349, C>T. VCF-style: chr5-138783349-C-T. GRCh37 (hg19) VCF-style: chr5-138119038-C-T.
Other names: c.278C>T, p.Ala93Val (NM_001290307.3, NM_001323982.2, NM_001323983.1 and 3 more transcripts); c.-6+77C>T (NM_001290310.3); c.-9+1320C>T (NM_001290309.3); c.278C>T (NM_001903.2); short protein forms A93V.
Identifiers: ClinVar variation 1514995 (VCV001514995.7), dbSNP rs748173593, ClinGen allele CA361477674.